The following is an entry in ClinVar:

NM_015102.5(NPHP4):c.3274T>C (p.Ser1092Pro)

Gene: NPHP4 (nephrocystin 4; minus strand). Cytogenetic location: 1p36.31.
Variant type: single nucleotide variant.
Coding change: c.3274T>C on transcript NM_015102.5 (MANE Select); coding-DNA position 3274, T replaced by C.
Protein change: p.Ser1092Pro; replaces serine 1092 with proline.
Molecular consequence: missense variant. On other transcripts: non-coding transcript variant (1).
Genome position (GRCh38, 1-based): chr1:5,873,293, A>G on the plus strand (T>C on the coding strand, the complement: NPHP4 is on the minus strand). VCF-style: chr1-5873293-A-G. GRCh37 (hg19) VCF-style: chr1-5933353-A-G.
Other names: c.1735T>C, p.Ser579Pro (NM_001291593.2); c.1738T>C, p.Ser580Pro (NM_001291594.2); short protein forms S1092P, S579P, S580P.
Identifiers: ClinVar variation 1383724 (VCV001383724.3), dbSNP rs2100596464, ClinGen allele CA338054581.

ClinVar aggregate classification (germline): Uncertain significance (1 of 4 stars; one submission).

Conditions:
Nephronophthisis. Also called: Juvenile Nephronophthisis. Identifiers: Orphanet 655, MedGen C0687120, MONDO:0019005, HP:0000090.

Submission:

Labcorp Genetics (formerly Invitae), Labcorp
Classification: Uncertain significance for Nephronophthisis. Last evaluated: 2021-10-13. Review status: criteria provided, single submitter. Criteria: Invitae Variant Classification Sherloc (09022015). Collection method: clinical testing. Allele origin: germline.
Comment: This sequence change replaces serine with proline at codon 1092 of the NPHP4 protein (p.Ser1092Pro). The serine residue is weakly conserved and there is a moderate physicochemical difference between serine and proline. This variant is not present in population databases (ExAC no frequency). This variant has not been reported in the literature in individuals affected with NPHP4-related conditions. Algorithms developed to predict the effect of missense changes on protein structure and function output the following: SIFT: "Tolerated"; PolyPhen-2: "Benign"; Align-GVGD: "Class C0". The proline amino acid residue is found in multiple mammalian species, which suggests that this missense change does not adversely affect protein function. In summary, the available evidence is currently insufficient to determine the role of this variant in disease. Therefore, it has been classified as a Variant of Uncertain Significance.